The following is an entry in ClinVar:

NM_001039348.3(EFEMP1):c.1160G>T (p.Arg387Leu)

Gene: EFEMP1 (EGF-like fibulin extracellular matrix protein 1; minus strand). Cytogenetic location: 2p16.1.
Variant type: single nucleotide variant.
Coding change: c.1160G>T on transcript NM_001039348.3 (MANE Select); coding-DNA position 1160, G replaced by T.
Protein change: p.Arg387Leu; replaces arginine 387 with leucine.
Molecular consequence: missense variant.
Genome position (GRCh38, 1-based): chr2:55,870,880, C>A on the plus strand (G>T on the coding strand, the complement: EFEMP1 is on the minus strand). VCF-style: chr2-55870880-C-A. GRCh37 (hg19) VCF-style: chr2-56098015-C-A.
Other names: c.1160G>T, p.Arg387Leu (NM_001039349.3); short protein forms R387L.
Identifiers: ClinVar variation 2133503 (VCV002133503.4), dbSNP rs146446706, ClinGen allele CA347028157.

ClinVar aggregate classification (germline): Uncertain significance (1 of 4 stars; one submission).

Submission:

Labcorp Genetics (formerly Invitae), Labcorp
Classification: Uncertain significance. Last evaluated: 2024-02-05. Review status: criteria provided, single submitter. Criteria: Invitae Variant Classification Sherloc (09022015). Collection method: clinical testing. Allele origin: germline.
Comment: This sequence change replaces arginine, which is basic and polar, with leucine, which is neutral and non-polar, at codon 387 of the EFEMP1 protein (p.Arg387Leu). The frequency data for this variant in the population databases is considered unreliable, as metrics indicate poor data quality at this position in the gnomAD database. This variant has not been reported in the literature in individuals affected with EFEMP1-related conditions. ClinVar contains an entry for this variant (Variation ID: 2133503). Advanced modeling of protein sequence and biophysical properties (such as structural, functional, and spatial information, amino acid conservation, physicochemical variation, residue mobility, and thermodynamic stability) performed at Invitae indicates that this missense variant is not expected to disrupt EFEMP1 protein function with a negative predictive value of 80%. In summary, the available evidence is currently insufficient to determine the role of this variant in disease. Therefore, it has been classified as a Variant of Uncertain Significance.